The following is an entry in ClinVar:

ClinVar aggregate classification (germline): Uncertain significance. Review status: criteria provided, multiple submitters, no conflicts (2 of 4 stars). 2 submissions from 2 submitters: Uncertain significance (2). Last evaluated 2026-09-08.

Conditions:
Hereditary cancer-predisposing syndrome. Also called: Tumor predisposition; Hereditary neoplastic syndrome; Neoplastic Syndromes, Hereditary; Hereditary Cancer Syndrome. Identifiers: Orphanet 140162, MedGen C0027672, MeSH D009386, MONDO:0015356.

Submissions (2):

Ambry Genetics
Classification: Uncertain significance for Hereditary cancer-predisposing syndrome. Last evaluated: 2026-09-08. Review status: criteria provided, single submitter. Criteria: Ambry Variant Classification Scheme 2023. Collection method: clinical testing. Allele origin: germline.
Comment: The c.7307+1_7307+3dupGTA intronic variant, results from a duplication of 3 nucleotides at nucleotide positions 7307+1 to 7307+3 after intron 48 of the ATM gene. This variant does not change the sequence of the canonical donor at this splice site. The impacted nucleotide positions are well conserved in available vertebrate species. In silico splice site analysis predicts that this alteration may weaken the native splice donor site. Based on the available evidence, the clinical significance of this variant remains unclear.

Color Diagnostics, LLC DBA Color Health
Classification: Uncertain significance for Hereditary cancer-predisposing syndrome. Last evaluated: 2018-09-29. Review status: criteria provided, single submitter. Criteria: ACMG Guidelines, 2015. Collection method: clinical testing. Allele origin: germline.

NM_000051.4(ATM):c.7307+1_7307+3dup

Genes: ATM (ATM serine/threonine kinase; plus strand), C11orf65 (chromosome 11 open reading frame 65; minus strand). Cytogenetic location: 11q22.3.
Variant type: Duplication.
Coding change: c.7307+1_7307+3dup on transcript NM_000051.4 (MANE Select); the canonical splice donor site of the intron after coding-DNA position 7307 through 3 bases into the intron after coding-DNA position 7307, 3 bases duplicated (GTA; older notation c.7307+1_7307+3dupGTA).
Molecular consequence: splice donor variant. On other transcripts: intron variant (2).
Genome position (GRCh38, 1-based): chr11:108,329,239-108,329,241, GTA duplicated. VCF-style (leftmost placement, unchanged base first): chr11-108329238-G-GGTA. GRCh37 (hg19) VCF-style: chr11-108199965-G-GGTA.
Other names: c.7307+1_7307+3dup (NM_001351834.2); c.641-20170_641-20168dup (NM_001330368.2); c.*38+5979_*38+5981dup (NM_001351110.2); c.7307+1_7307+3dupGTA (NM_000051.3).
Identifiers: ClinVar variation 628086 (VCV000628086.5), dbSNP rs1565527496, ClinGen allele CA913188474.
Genomic context (GRCh38, chr11:108,329,238, plus strand): 5'-TCCTGAAAAGAGCCAAAGAGGAAGTAGGTCTCCTTAGGGAACATAAAATTCAGACAAACA[G>GGTA]GTAACTAGGTTTCTACAAGTGACAATTTTATGTTCACCAGTTAACTGAGTGAGTGTTTTT-3'